The following is an entry in ClinVar:

ClinVar aggregate classification (germline): Uncertain significance (1 of 4 stars; one submission).

Conditions:
Emery-Dreifuss muscular dystrophy 4, autosomal dominant (EDMD4). Also called: EMERY-DREIFUSS MUSCULAR DYSTROPHY 4 WITH VARIABLE FEATURES. Identifiers: Orphanet 261, MedGen C2751807, MONDO:0013071, OMIM 612998.
Autosomal recessive ataxia, Beauce type. Also called: Spinocerebellar ataxia, autosomal recessive 8; ATAXIA, RECESSIVE, OF BEAUCE; SYNE1 Deficiency; SYNE1-Related Autosomal Recessive Cerebellar Ataxia. Identifiers: Orphanet 88644, MedGen C1853116, MONDO:0012549, OMIM 610743.

Allele frequency attached by ClinVar (database versions not stated): gnomAD exomes below 0.00001 and 0.00001; ExAC 0.00001.
gnomAD v4.1: 4 of 1,614,186 alleles (0.00025%); highest among the groups gnomAD compares: South Asian, 0.0022%; no homozygotes.

Submission:

Labcorp Genetics (formerly Invitae), Labcorp
Classification: Uncertain significance for Emery-Dreifuss muscular dystrophy 4, autosomal dominant; Autosomal recessive ataxia, Beauce type. Last evaluated: 2021-07-04. Review status: criteria provided, single submitter. Criteria: Invitae Variant Classification Sherloc (09022015). Collection method: clinical testing. Allele origin: germline.
Comment: In summary, the available evidence is currently insufficient to determine the role of this variant in disease. Therefore, it has been classified as a Variant of Uncertain Significance. Algorithms developed to predict the effect of missense changes on protein structure and function are either unavailable or do not agree on the potential impact of this missense change (SIFT: "Deleterious"; PolyPhen-2: "Probably Damaging"; Align-GVGD: "Class C0"). This variant has not been reported in the literature in individuals affected with SYNE1-related conditions. The frequency data for this variant in the population databases is considered unreliable, as metrics indicate poor data quality at this position in the ExAC database. This sequence change replaces isoleucine with threonine at codon 8063 of the SYNE1 protein (p.Ile8063Thr). The isoleucine residue is highly conserved and there is a moderate physicochemical difference between isoleucine and threonine.

NM_182961.4(SYNE1):c.24401T>C (p.Ile8134Thr)

Gene: SYNE1 (spectrin repeat containing nuclear envelope protein 1; minus strand). Cytogenetic location: 6q25.2.
Variant type: single nucleotide variant.
Coding change: c.24401T>C on transcript NM_182961.4 (MANE Select); coding-DNA position 24401, T replaced by C.
Protein change: p.Ile8134Thr; replaces isoleucine 8134 with threonine.
Molecular consequence: missense variant.
Genome position (GRCh38, 1-based): chr6:152,151,602, A>G on the plus strand (T>C on the coding strand, the complement: SYNE1 is on the minus strand). VCF-style: chr6-152151602-A-G. GRCh37 (hg19) VCF-style: chr6-152472737-A-G.
Other names: c.1007T>C, p.Ile336Thr (NM_001347701.2); c.866T>C, p.Ile289Thr (NM_001347702.2); c.24188T>C, p.Ile8063Thr (NM_033071.5); short protein forms I8063T, I8134T, I289T, I336T.
Identifiers: ClinVar variation 1420941 (VCV001420941.8), dbSNP rs774707282, ClinGen allele CA4053187.